The following is an entry in ClinVar:

NM_020732.3:c.5810G>A

Gene: ARID1B (AT-rich interaction domain 1B; plus strand).
Variant type: single nucleotide variant.
Other names: c.5810G>A (NM_020732.3).
Identifiers: ClinVar variation 4526986 (VCV004526986.1).

ClinVar aggregate classification (germline): Pathogenic (1 of 4 stars; one submission).

Submission:

GeneDx
Classification: Pathogenic. Last evaluated: 2025-04-28. Review status: criteria provided, single submitter. Criteria: GeneDx Variant Classification Process June 2021. Collection method: clinical testing. Allele origin: germline. Affected: yes.
Comment: Nonsense variant predicted to result in protein truncation, as the last 313 amino acids are lost, and other loss-of-function variants have been reported downstream in HGMD; Not observed at significant frequency in large population cohorts (gnomAD); Has not been previously published as pathogenic or benign to our knowledge